The following is an entry in ClinVar:

NM_016256.4(NAGPA):c.180G>A (p.Glu60=)

Gene: NAGPA (N-acetylglucosamine-1-phosphodiester alpha-N-acetylglucosaminidase; minus strand). Cytogenetic location: 16p13.3.
Variant type: single nucleotide variant.
Coding change: c.180G>A on transcript NM_016256.4 (MANE Select); coding-DNA position 180, G replaced by A.
Protein change: p.Glu60=; no amino-acid change (glutamic acid 60 retained).
Molecular consequence: synonymous variant.
Genome position (GRCh38, 1-based): chr16:5,033,635, C>T on the plus strand (G>A on the coding strand, the complement: NAGPA is on the minus strand). VCF-style: chr16-5033635-C-T. GRCh37 (hg19) VCF-style: chr16-5083636-C-T.
Identifiers: ClinVar variation 3047748 (VCV003047748.2), dbSNP rs769350585, ClinGen allele CA7888928.

ClinVar aggregate classification (germline): Likely benign (0 of 4 stars; one submission).

Conditions:
NAGPA-related disorder. Also called: NAGPA-related condition.

Allele frequency attached by ClinVar (database versions not stated): gnomAD 0.00001; TOPMed 0.00001; ExAC 0.00003.
gnomAD v4.1: 56 of 1,534,470 alleles (0.0036%); highest among the groups gnomAD compares: South Asian, 0.0098%; no homozygotes.

Submission:

PreventionGenetics, part of Exact Sciences
Classification: Likely benign for NAGPA-related condition. Last evaluated: 2019-02-21. Review status: no assertion criteria provided. Collection method: clinical testing. Allele origin: germline.
Comment: This variant is classified as likely benign based on ACMG/AMP sequence variant interpretation guidelines (Richards et al. 2015 PMID: 25741868, with internal and published modifications).